The following is an entry in ClinVar:

ClinVar aggregate classification (germline): Conflicting classifications of pathogenicity. Review status: criteria provided, conflicting classifications (1 of 4 stars). 4 submissions from 4 submitters: Uncertain significance (3); Likely benign (1). Last evaluated 2025-02-06.

Conditions:
Hereditary cancer-predisposing syndrome. Also called: Neoplastic Syndromes, Hereditary; Tumor predisposition; Hereditary neoplastic syndrome; Hereditary Cancer Syndrome. Identifiers: Orphanet 140162, MedGen C0027672, MeSH D009386, MONDO:0015356.
Rhabdoid tumor predisposition syndrome 2 (RTPS2). Identifiers: Orphanet 231108, Orphanet 69077, MedGen C2750074, MONDO:0013224, OMIM 613325.
Intellectual disability, autosomal dominant 16 (CSS4). Also called: COFFIN-SIRIS SYNDROME 4. Identifiers: Orphanet 1465, MedGen C3553249, MONDO:0013821, OMIM 614609.

Submissions (4):

Labcorp Genetics (formerly Invitae), Labcorp
Classification: Uncertain significance for Rhabdoid tumor predisposition syndrome 2. Last evaluated: 2025-02-06. Review status: criteria provided, single submitter. Criteria: Invitae Variant Classification Sherloc (09022015). Collection method: clinical testing. Allele origin: germline.
Comment: This sequence change replaces methionine, which is neutral and non-polar, with valine, which is neutral and non-polar, at codon 113 of the SMARCA4 protein (p.Met113Val). This variant is not present in population databases (gnomAD no frequency). This variant has not been reported in the literature in individuals affected with SMARCA4-related conditions. ClinVar contains an entry for this variant (Variation ID: 663728). Invitae Evidence Modeling of protein sequence and biophysical properties (such as structural, functional, and spatial information, amino acid conservation, physicochemical variation, residue mobility, and thermodynamic stability) indicates that this missense variant is not expected to disrupt SMARCA4 protein function with a negative predictive value of 80%. In summary, the available evidence is currently insufficient to determine the role of this variant in disease. Therefore, it has been classified as a Variant of Uncertain Significance.

Ambry Genetics
Classification: Likely benign for Hereditary cancer-predisposing syndrome. Last evaluated: 2024-03-13. Review status: criteria provided, single submitter. Criteria: Ambry Variant Classification Scheme 2023. Collection method: clinical testing. Allele origin: germline.

GeneDx
Classification: Uncertain significance. Last evaluated: 2023-12-28. Review status: criteria provided, single submitter. Criteria: GeneDx Variant Classification Process June 2021. Collection method: clinical testing. Allele origin: germline. Affected: yes.
Comment: Not observed at significant frequency in large population cohorts (gnomAD); In silico analysis supports that this missense variant does not alter protein structure/function; Has not been previously published as pathogenic or benign to our knowledge

Genome-Nilou Lab
Classification: Uncertain significance for Intellectual disability, autosomal dominant 16. Last evaluated: 2021-07-15. Review status: criteria provided, single submitter. Criteria: ACMG Guidelines, 2015. Collection method: clinical testing. Allele origin: germline. Affected: no.

NM_003072.5(SMARCA4):c.337A>G (p.Met113Val)

Gene: SMARCA4 (SWI/SNF related BAF chromatin remodeling complex subunit ATPase 4; plus strand). Cytogenetic location: 19p13.2.
Variant type: single nucleotide variant.
Coding change: c.337A>G on transcript NM_003072.5 (MANE Select); coding-DNA position 337, A replaced by G.
Protein change: p.Met113Val; replaces methionine 113 with valine.
Molecular consequence: missense variant. On other transcripts: non-coding transcript variant (1).
Genome position (GRCh38, 1-based): chr19:10,985,387, A>G. VCF-style: chr19-10985387-A-G. GRCh37 (hg19) VCF-style: chr19-11096063-A-G.
Other names: c.337A>G, p.Met113Val (NM_001128844.3, NM_001128845.2, NM_001128846.2 and 5 more transcripts); short protein forms M113V.
Identifiers: ClinVar variation 663728 (VCV000663728.14), dbSNP rs774919609, ClinGen allele CA404055335.